The following is an entry in ClinVar:

ClinVar aggregate classification (germline): Uncertain significance. Review status: criteria provided, multiple submitters, no conflicts (2 of 4 stars). 3 submissions from 3 submitters: Uncertain significance (2). 1 of the submissions does not count toward it. Last evaluated 2023-10-01.

Conditions:
Retinitis pigmentosa (RP). Identifiers: Orphanet 791, MedGen C0035334, MeSH D012174, MONDO:0019200, OMIM 268000. Inheritance: Autosomal dominant, autosomal recessive and X linked inheritance.
Saldino-Mainzer syndrome (SRTD9). Also called: short-rib thoracic dysplasia 9 with or without polydactyly; SHORT-RIB THORACIC DYSPLASIA 9 WITHOUT POLYDACTYLY; CONORENAL SYNDROME; Renal dysplasia, retinal pigmentary dystrophy, cerebellar ataxia and skeletal dysplasia. Identifiers: Orphanet 140969, MedGen C1849437, MONDO:0009964, OMIM 266920.
Retinal dystrophy. Also called: Inherited retinal dystrophy. Identifiers: Orphanet 71862, MedGen C0854723, MeSH D058499, MONDO:0019118, HP:0000556.

Allele frequency attached by ClinVar (database versions not stated): gnomAD exomes below 0.00001.

Submissions (3):

Dept Of Ophthalmology, Nagoya University
Classification: Uncertain significance for Retinal dystrophy. Last evaluated: 2023-10-01. Review status: criteria provided, single submitter. Criteria: Submitter's publication. Collection method: research. Allele origin: germline. Affected: yes.

Labcorp Genetics (formerly Invitae), Labcorp
Classification: Uncertain significance for Saldino-Mainzer syndrome. Last evaluated: 2022-07-25. Review status: criteria provided, single submitter. Criteria: Invitae Variant Classification Sherloc (09022015). Collection method: clinical testing. Allele origin: germline.
Comment: In summary, the available evidence is currently insufficient to determine the role of this variant in disease. Therefore, it has been classified as a Variant of Uncertain Significance. Algorithms developed to predict the effect of missense changes on protein structure and function are either unavailable or do not agree on the potential impact of this missense change (SIFT: "Deleterious"; PolyPhen-2: "Probably Damaging"; Align-GVGD: "Class C0"). ClinVar contains an entry for this variant (Variation ID: 812334). This missense change has been observed in individual(s) with retinitis pigmentosa (PMID: 31456290). This variant is not present in population databases (gnomAD no frequency). This sequence change replaces cysteine, which is neutral and slightly polar, with tyrosine, which is neutral and polar, at codon 482 of the IFT140 protein (p.Cys482Tyr).

Sharon lab, Hadassah-Hebrew University Medical Center
Classification: Pathogenic for Retinitis pigmentosa. Last evaluated: 2019-06-23. Review status: no assertion criteria provided. Collection method: research. Allele origin: inherited. Affected: yes. Not counted in ClinVar's aggregate classification.

Literature cited by the submitters: PubMed 31456290 (cited by Labcorp Genetics (formerly Invitae), Labcorp).

NM_014714.4(IFT140):c.1445G>A (p.Cys482Tyr)

Genes: IFT140 (intraflagellar transport 140; minus strand), LOC105371046 (uncharacterized LOC105371046; plus strand). Cytogenetic location: 16p13.3.
Variant type: single nucleotide variant.
Coding change: c.1445G>A on transcript NM_014714.4 (MANE Select); coding-DNA position 1445, G replaced by A.
Protein change: p.Cys482Tyr; replaces cysteine 482 with tyrosine.
Molecular consequence: missense variant.
Genome position (GRCh38, 1-based): chr16:1,580,838, C>T on the plus strand (G>A on the coding strand, the complement: IFT140 is on the minus strand). VCF-style: chr16-1580838-C-T. GRCh37 (hg19) VCF-style: chr16-1630839-C-T.
Other names: short protein forms C482Y.
Identifiers: ClinVar variation 812334 (VCV000812334.9), dbSNP rs1596402406, ClinGen allele CA394212362.
Genomic context (GRCh38, chr16:1,580,838, plus strand): 5'-ACTCGGTTTGACTCCACCGTGTAAACGTTTTCTTCATGCATTGCTAACACAGGCGTCTCA[C>T]ACAAGAAGGTCCCTAAAATGAAAGACGAACATCAGGATGGCGGCCGCTCATCCGCCAGAC-3'
Protein context (NP_055529.2, residues 472-492): AAIRSAGTFL[Cys482Tyr]ETPVLAMHEE